The following is an entry in ClinVar:

ClinVar aggregate classification (germline): Conflicting classifications of pathogenicity. Review status: criteria provided, conflicting classifications (1 of 4 stars). 3 submissions from 3 submitters: Uncertain significance (2); Likely benign (1). Last evaluated 2026-02-02.

Conditions:
Familial thoracic aortic aneurysm and aortic dissection (TAAD). Also called: Thoracic aortic aneurysms and dissections. Identifiers: Orphanet 91387, MedGen C4707243, MONDO:0019625.
Aortic aneurysm, familial thoracic 8 (AAT8). Identifiers: MedGen C3809513, MONDO:0014187, OMIM 615436.

Allele frequency attached by ClinVar (database versions not stated): gnomAD exomes 0.00002 and 0.00006; ExAC 0.00011; gnomAD 0.00018 and 0.00022; ESP Exome Variant Server 0.00023; TOPMed 0.00024.
gnomAD v4.1: 56 of 1,609,492 alleles (0.0035%); highest among the groups gnomAD compares: African/African-American, 0.067%; no homozygotes.

Submissions (3):

Labcorp Genetics (formerly Invitae), Labcorp
Classification: Likely benign for Aortic aneurysm, familial thoracic 8. Last evaluated: 2026-02-02. Review status: criteria provided, single submitter. Criteria: Invitae Variant Classification Sherloc (09022015). Collection method: clinical testing. Allele origin: germline.

Ambry Genetics
Classification: Uncertain significance for Familial thoracic aortic aneurysm and aortic dissection. Last evaluated: 2024-11-13. Review status: criteria provided, single submitter. Criteria: Ambry Variant Classification Scheme 2023. Collection method: clinical testing. Allele origin: germline.

GeneDx
Classification: Uncertain significance. Last evaluated: 2024-10-17. Review status: criteria provided, single submitter. Criteria: GeneDx Variant Classification Process June 2021. Collection method: clinical testing. Allele origin: germline. Affected: yes.
Comment: Has not been previously published as pathogenic or benign to our knowledge; In silico analysis supports that this missense variant has a deleterious effect on protein structure/function

NM_006258.4(PRKG1):c.893C>T (p.Thr298Ile)

Gene: PRKG1 (protein kinase cGMP-dependent 1; plus strand). Cytogenetic location: 10q21.1.
Variant type: single nucleotide variant.
Coding change: c.893C>T on transcript NM_006258.4 (MANE Select); coding-DNA position 893, C replaced by T.
Protein change: p.Thr298Ile; replaces threonine 298 with isoleucine.
Molecular consequence: missense variant.
Genome position (GRCh38, 1-based): chr10:52,062,589, C>T. VCF-style: chr10-52062589-C-T. GRCh37 (hg19) VCF-style: chr10-53822349-C-T.
Other names: c.893C>T, p.Thr298Ile (LRG_1135t1); c.848C>T, p.Thr283Ile (LRG_1135t2, NM_001098512.3); short protein forms T298I, T283I.
Identifiers: ClinVar variation 477782 (VCV000477782.21), dbSNP rs140716870, ClinGen allele CA5503657.